The following is an entry in ClinVar:

NM_005413.4(SIX3):c.369G>A (p.Glu123=)

Gene: SIX3 (SIX homeobox 3; plus strand). Cytogenetic location: 2p21.
Variant type: single nucleotide variant.
Coding change: c.369G>A on transcript NM_005413.4 (MANE Select); coding-DNA position 369, G replaced by A.
Protein change: p.Glu123=; no amino-acid change (glutamic acid 123 retained).
Molecular consequence: synonymous variant.
Genome position (GRCh38, 1-based): chr2:44,942,473, G>A. VCF-style: chr2-44942473-G-A. GRCh37 (hg19) VCF-style: chr2-45169612-G-A.
Identifiers: ClinVar variation 284060 (VCV000284060.42), dbSNP rs200331042, ClinGen allele CA1642313.

ClinVar aggregate classification (germline): Conflicting classifications of pathogenicity. Review status: criteria provided, conflicting classifications (1 of 4 stars). 5 submissions from 5 submitters: Uncertain significance (1); Benign (1); Likely benign (3). Last evaluated 2025-11-22.

Conditions:
Holoprosencephaly 2 (HPE2). Identifiers: Orphanet 2162, MedGen C1834877, MONDO:0007999, OMIM 157170.

Allele frequency attached by ClinVar (database versions not stated): 1000 Genomes Project 0.00020; 1000 Genomes Project 30x 0.00047; TOPMed 0.00087; gnomAD 0.00088; gnomAD exomes 0.00091 and 0.00149; ExAC 0.00108; ESP Exome Variant Server 0.00122.
gnomAD v4.1: 2,267 of 1,598,178 alleles (0.14%); highest among the groups gnomAD compares: Non-Finnish European, 0.18%; 1 homozygote.

Submissions (5):

Labcorp Genetics (formerly Invitae), Labcorp
Classification: Benign for Holoprosencephaly 2. Last evaluated: 2025-11-22. Review status: criteria provided, single submitter. Criteria: Invitae Variant Classification Sherloc (09022015). Collection method: clinical testing. Allele origin: germline.

CeGaT Center for Human Genetics Tuebingen
Classification: Likely benign. Last evaluated: 2025-03-01. Review status: criteria provided, single submitter. Criteria: CeGaT Center For Human Genetics Tuebingen Variant Classification Criteria Version 2. Collection method: clinical testing. Allele origin: germline. Affected: yes. Observed: 3 variant alleles.
Comment: SIX3: BP4, BP7

Blueprint Genetics
Classification: Likely benign. Last evaluated: 2024-11-21. Review status: criteria provided, single submitter. Criteria: ACMG Guidelines, 2015. Collection method: clinical testing. Allele origin: germline.

GeneDx
Classification: Likely benign. Last evaluated: 2021-01-29. Review status: criteria provided, single submitter. Criteria: GeneDx Variant Classification Process June 2021. Collection method: clinical testing. Allele origin: germline. Affected: yes.
Comment: In silico analysis supports that this variant does not alter splicing; Has not been previously published as pathogenic or benign to our knowledge

Eurofins Ntd Llc (ga)
Classification: Uncertain significance. Last evaluated: 2015-11-13. Review status: criteria provided, single submitter. Criteria: EGL Classification Definitions 2015. Collection method: clinical testing. Allele origin: germline. Observed: 1 variant allele, 1 heterozygote.